The following is an entry in ClinVar:

NM_000051.4(ATM):c.6198+9_6198+13delinsA

Genes: ATM (ATM serine/threonine kinase; plus strand), C11orf65 (chromosome 11 open reading frame 65; minus strand). Cytogenetic location: 11q22.3.
Variant type: Indel.
Coding change: c.6198+9_6198+13delinsA on transcript NM_000051.4 (MANE Select); bases 9 to 13 of the intron after coding-DNA position 6198, TTTCC replaced by A.
Molecular consequence: intron variant.
Genome position (GRCh38, 1-based): chr11:108,316,122-108,316,126, TTTCC replaced by A. VCF-style: chr11-108316122-TTTCC-A. GRCh37 (hg19) VCF-style: chr11-108186849-TTTCC-A.
Other names: c.6198+9_6198+13delinsA (NM_001351834.2); c.641-7055_641-7051delinsT (NM_001330368.2); c.*39-7055_*39-7051delinsT (NM_001351110.2).
Identifiers: ClinVar variation 3254084 (VCV003254084.1), dbSNP rs2547097824.

ClinVar aggregate classification (germline): Likely benign (1 of 4 stars; one submission).

Conditions:
Familial cancer of breast. Also called: hereditary breast carcinoma; BREAST CANCER, FAMILIAL; Hereditary breast cancer. Identifiers: Orphanet 227535, MedGen C0346153, MONDO:0016419, OMIM 114480. Disease mechanism: loss of function.

Submission:

Myriad Genetics, Inc.
Classification: Likely benign for Familial cancer of breast. Last evaluated: 2024-06-03. Review status: criteria provided, single submitter. Criteria: Myriad Autosomal Dominant, Autosomal Recessive and X-Linked Classification Criteria (2023). Collection method: clinical testing. Allele origin: unknown.
Comment: This variant is considered likely benign. This variant is intronic and is not expected to impact mRNA splicing.